The following is an entry in ClinVar:

ClinVar aggregate classification (germline): Uncertain significance (1 of 4 stars; one submission).

Allele frequency attached by ClinVar (database versions not stated): gnomAD exomes 0.00002 and 0.00004; ExAC 0.00003; gnomAD 0.00005; TOPMed 0.00005.
gnomAD v4.1: 41 of 1,613,864 alleles (0.0025%); highest among the groups gnomAD compares: Middle Eastern, 0.017%; no homozygotes.

Submission:

Labcorp Genetics (formerly Invitae), Labcorp
Classification: Uncertain significance. Last evaluated: 2022-09-13. Review status: criteria provided, single submitter. Criteria: Invitae Variant Classification Sherloc (09022015). Collection method: clinical testing. Allele origin: germline.
Comment: This sequence change replaces aspartic acid, which is acidic and polar, with asparagine, which is neutral and polar, at codon 397 of the SLC27A4 protein (p.Asp397Asn). This variant is present in population databases (rs778382495, gnomAD 0.01%). This variant has not been reported in the literature in individuals affected with SLC27A4-related conditions. ClinVar contains an entry for this variant (Variation ID: 1404072). Advanced modeling of protein sequence and biophysical properties (such as structural, functional, and spatial information, amino acid conservation, physicochemical variation, residue mobility, and thermodynamic stability) performed at Invitae indicates that this missense variant is not expected to disrupt SLC27A4 protein function. In summary, the available evidence is currently insufficient to determine the role of this variant in disease. Therefore, it has been classified as a Variant of Uncertain Significance.

NM_005094.4(SLC27A4):c.1189G>A (p.Asp397Asn)

Gene: SLC27A4 (solute carrier family 27 member 4; plus strand). Cytogenetic location: 9q34.11.
Variant type: single nucleotide variant.
Coding change: c.1189G>A on transcript NM_005094.4 (MANE Select); coding-DNA position 1189, G replaced by A.
Protein change: p.Asp397Asn; replaces aspartic acid 397 with asparagine.
Molecular consequence: missense variant.
Genome position (GRCh38, 1-based): chr9:128,353,226, G>A. VCF-style: chr9-128353226-G-A. GRCh37 (hg19) VCF-style: chr9-131115505-G-A.
Other names: short protein forms D397N.
Identifiers: ClinVar variation 1404072 (VCV001404072.3), dbSNP rs778382495, ClinGen allele CA5261188.
Genomic context (GRCh38, chr9:128,353,226, plus strand): 5'-ATACCCCAGGTGGCTGAGTTCTACGGGGCCACAGAGTGCAACTGTAGCCTGGGCAACTTC[G>A]ACAGCCAGGTGCGGCCAGGTTGGGGATGGGCGAGGCTGCTGCAGGGATGGCCCACAGAAG-3'
Protein context (NP_005085.2, residues 387-407): TECNCSLGNF[Asp397Asn]SQVGACGFNS